The following is an entry in ClinVar:

NM_007118.4(TRIO):c.6314T>G (p.Met2105Arg)

Gene: TRIO (trio Rho guanine nucleotide exchange factor; plus strand). Cytogenetic location: 5p15.2.
Variant type: single nucleotide variant.
Coding change: c.6314T>G on transcript NM_007118.4 (MANE Select); coding-DNA position 6314, T replaced by G.
Protein change: p.Met2105Arg; replaces methionine 2105 with arginine.
Molecular consequence: missense variant. On other transcripts: non-coding transcript variant (1).
Genome position (GRCh38, 1-based): chr5:14,479,989, T>G. VCF-style: chr5-14479989-T-G. GRCh37 (hg19) VCF-style: chr5-14480098-T-G.
Other names: short protein forms M2105R.
Identifiers: ClinVar variation 546229 (VCV000546229.2), dbSNP rs1554086815, ClinGen allele CA359234533.

ClinVar aggregate classification (germline): Uncertain significance (1 of 4 stars; one submission).

Submission:

GeneDx
Classification: Uncertain significance. Last evaluated: 2018-05-18. Review status: criteria provided, single submitter. Criteria: GeneDx Variant Classification (06012015). Collection method: clinical testing. Allele origin: germline. Affected: yes.
Comment: The M2105R variant in the TRIO gene has not been reported previously as a pathogenic variant, nor as a benign variant, to our knowledge. The M2105R variant is not observed in large population cohorts (Lek et al., 2016). The M2105R variant is a non-conservative amino acid substitution, which is likely to impact secondary protein structure as these residues differ in polarity, charge, size and/or other properties. However, in silico analyses, including protein predictors and evolutionary conservation, support that this variant does not alter protein structure/function. We interpret M2105R as a variant of uncertain significance.